The following is an entry in ClinVar:

ClinVar aggregate classification (germline): Likely benign. Review status: criteria provided, single submitter (1 of 4 stars). 2 submissions from 2 submitters: Likely benign (1). 1 of the submissions does not count toward it. Last evaluated 2023-04-13.

Conditions:
NEB-related disorder. Also called: NEB-related condition; NEB-Related Disorders.
Nemaline myopathy 2 (NEM2). Also called: Nemaline myopathy 2, autosomal recessive. Identifiers: MedGen C1850569, MONDO:0009725, OMIM 256030.

Allele frequency attached by ClinVar (database versions not stated): gnomAD exomes 0.00001.
gnomAD v4.1: 7 of 1,607,704 alleles (0.00044%); highest among the groups gnomAD compares: Non-Finnish European, 0.00059%; no homozygotes.

Submissions (2):

Labcorp Genetics (formerly Invitae), Labcorp
Classification: Likely benign for Nemaline myopathy 2. Last evaluated: 2023-04-13. Review status: criteria provided, single submitter. Criteria: Invitae Variant Classification Sherloc (09022015). Collection method: clinical testing. Allele origin: germline.

PreventionGenetics, part of Exact Sciences
Classification: Likely benign for NEB-related condition. Last evaluated: 2022-10-25. Review status: no assertion criteria provided. Collection method: clinical testing. Allele origin: germline. Not counted in ClinVar's aggregate classification.
Comment: This variant is classified as likely benign based on ACMG/AMP sequence variant interpretation guidelines (Richards et al. 2015 PMID: 25741868, with internal and published modifications).

NM_001164508.2(NEB):c.23160C>G (p.Val7720=)

Genes: RIF1 (replication timing regulatory factor 1; plus strand), NEB (nebulin; minus strand). Cytogenetic location: 2q23.3.
Variant type: single nucleotide variant.
Coding change: c.23160C>G on transcript NM_001164508.2 (MANE Select); coding-DNA position 23160, C replaced by G.
Protein change: p.Val7720=; no amino-acid change (valine 7720 retained).
Molecular consequence: synonymous variant.
Genome position (GRCh38, 1-based): chr2:151,513,661, G>C on the plus strand (C>G on the coding strand, the complement: NEB is on the minus strand). VCF-style: chr2-151513661-G-C. GRCh37 (hg19) VCF-style: chr2-152370175-G-C.
Other names: c.23160C>G, p.Val7720= (NM_001164507.2); c.23265C>G, p.Val7755= (NM_001271208.2); c.18057C>G, p.Val6019= (NM_004543.5); c.23265C>G (NM_001271208.1).
Identifiers: ClinVar variation 1630671 (VCV001630671.10), dbSNP rs1271111461, ClinGen allele CA429225247.
Genomic context (GRCh38, chr2:151,513,661, plus strand): 5'-ATTCCTGGCCCTCATAAAATCCGGAGTTTCATTGGCCATGGCATTCAGGCCTCTTCCTTT[G>C]ACTTCCAGTTCCAGGTCTCGCTTATATTCTTTCTATAGTAGCATTAAAAGAAAAAAAAAA-3'
Protein context (NP_001157980.2, residues 7710-7730): KEYKRDLELE[Val7720=]KGRGLNAMAN